The following is an entry in ClinVar:

NM_001854.4(COL11A1):c.4140+10A>T

Gene: COL11A1 (collagen type XI alpha 1 chain; minus strand). Cytogenetic location: 1p21.1.
Variant type: single nucleotide variant.
Coding change: c.4140+10A>T on transcript NM_001854.4 (MANE Select); 10 bases into the intron after coding-DNA position 4140, A replaced by T.
Molecular consequence: intron variant.
Genome position (GRCh38, 1-based): chr1:102,898,931, T>A on the plus strand (A>T on the coding strand, the complement: COL11A1 is on the minus strand). VCF-style: chr1-102898931-T-A. GRCh37 (hg19) VCF-style: chr1-103364487-T-A.
Other names: c.4023+10A>T (NM_001190709.2); c.4176+10A>T (NM_080629.3); c.3792+10A>T (NM_080630.4).
Identifiers: ClinVar variation 166921 (VCV000166921.24), dbSNP rs187171126, ClinGen allele CA179912.

ClinVar aggregate classification (germline): Benign/Likely benign. Review status: criteria provided, multiple submitters, no conflicts (2 of 4 stars). 10 submissions from 9 submitters: Benign (7); Likely benign (1). 2 of the submissions do not count toward it. Last evaluated 2026-05-11.

Conditions:
Connective tissue disorder. Also called: Connective tissue disease. Identifiers: MedGen C0009782, MONDO:0003900.
Fibrochondrogenesis 1 (FBCG1). Identifiers: Orphanet 2021, MedGen C3278138, MONDO:0009226, OMIM 228520.
Stickler syndrome type 2 (STL2). Also called: STICKLER SYNDROME, TYPE II; STICKLER SYNDROME, BEADED VITREOUS TYPE; STICKLER SYNDROME, VITREOUS TYPE 2; COL11A1-Related Stickler Syndrome. Identifiers: Orphanet 828, Orphanet 90654, MedGen C1858084, MONDO:0011493, OMIM 604841.

Allele frequency attached by ClinVar (database versions not stated): gnomAD exomes 0.00190 and 0.00073; 1000 Genomes Project 30x 0.00656; gnomAD 0.00833 and 0.00906; TOPMed 0.00929; ESP Exome Variant Server 0.00555; 1000 Genomes Project 0.00579; ExAC 0.00197.
gnomAD v4.1: 2,172 of 1,387,794 alleles (0.16%); highest among the groups gnomAD compares: African/African-American, 2.8%; 32 homozygotes.

Submissions (10):

Women's Health and Genetics/Laboratory Corporation of America, LabCorp
Classification: Benign. Last evaluated: 2026-05-11. Review status: criteria provided, single submitter. Criteria: LabCorp Variant Classification Summary - May 2015. Collection method: clinical testing. Allele origin: germline.

Labcorp Genetics (formerly Invitae), Labcorp
Classification: Benign. Last evaluated: 2026-02-01. Review status: criteria provided, single submitter. Criteria: Invitae Variant Classification Sherloc (09022015). Collection method: clinical testing. Allele origin: germline.

GeneDx
Classification: Benign. Last evaluated: 2018-04-13. Review status: criteria provided, single submitter. Criteria: GeneDx Variant Classification Process June 2021. Collection method: clinical testing. Allele origin: germline. Affected: yes.

Illumina Laboratory Services, Illumina
Classification: Benign for Stickler syndrome type 2. Last evaluated: 2018-01-12. Review status: criteria provided, single submitter. Criteria: ICSL Variant Classification Criteria 13 December 2019. Collection method: clinical testing. Allele origin: germline.
Comment: This variant was observed in the ICSL laboratory as part of a predisposition screen in an ostensibly healthy population. It had not been previously curated by ICSL or reported in the Human Gene Mutation Database (HGMD: prior to June 1st, 2018), and was therefore a candidate for classification through an automated scoring system. Utilizing variant allele frequency, disease prevalence and penetrance estimates, and inheritance mode, an automated score was calculated to assess if this variant is too frequent to cause the disease. Based on the score and internal cut-off values, a variant classified as benign is not then subjected to further curation. The score for this variant resulted in a classification of benign for this disease.

Illumina Laboratory Services, Illumina
Classification: Benign for Fibrochondrogenesis 1. Last evaluated: 2018-01-12. Review status: criteria provided, single submitter. Criteria: ICSL Variant Classification Criteria 13 December 2019. Collection method: clinical testing. Allele origin: germline.
Comment: the same text as in the submission from Illumina Laboratory Services, Illumina above.

Center for Human Genetics, Inc
Classification: Likely benign for Connective tissue disorder. Last evaluated: 2016-11-01. Review status: criteria provided, single submitter. Criteria: ACMG Guidelines, 2015. Collection method: clinical testing. Allele origin: germline. Affected: yes.

Eurofins Ntd Llc (ga)
Classification: Benign. Last evaluated: 2014-04-28. Review status: criteria provided, single submitter. Criteria: EGL Classification Definitions 2015. Collection method: clinical testing. Allele origin: germline. Observed: 2 variant alleles, 2 heterozygotes.

PreventionGenetics, part of Exact Sciences
Classification: Benign. Review status: criteria provided, single submitter. Criteria: ACMG Guidelines, 2015. Collection method: clinical testing. Allele origin: germline.

Clinical Genetics DNA and cytogenetics Diagnostics Lab, Erasmus MC, Erasmus Medical Center
Classification: Benign. Review status: no assertion criteria provided. Collection method: clinical testing. Allele origin: germline. Affected: yes. Study: VKGL Data-share Consensus. Not counted in ClinVar's aggregate classification.

Clinical Genetics, Academic Medical Center
Classification: Benign. Review status: no assertion criteria provided. Collection method: clinical testing. Allele origin: germline. Affected: yes. Study: VKGL Data-share Consensus. Not counted in ClinVar's aggregate classification.